The following is an entry in ClinVar:

ClinVar aggregate classification (germline): Uncertain significance (1 of 4 stars; one submission).

Conditions:
IFT172-related disorder. Also called: IFT172-related condition; IFT172-related disorders.

Submission:

PreventionGenetics, part of Exact Sciences
Classification: Uncertain significance for IFT172-related condition. Last evaluated: 2023-05-10. Review status: criteria provided, single submitter. Criteria: ACMG Guidelines, 2015. Collection method: clinical testing. Allele origin: germline.
Comment: The IFT172 c.1352G>C variant is predicted to result in the amino acid substitution p.Arg451Pro. To our knowledge, this variant has not been reported in the literature. This variant is reported in 0.00088% of alleles in individuals of European (Non-Finnish) descent in gnomAD. At this time, the clinical significance of this variant is uncertain due to the absence of conclusive functional and genetic evidence.

NM_015662.3(IFT172):c.1352G>C (p.Arg451Pro)

Gene: IFT172 (intraflagellar transport 172; minus strand). Cytogenetic location: 2p23.3.
Variant type: single nucleotide variant.
Coding change: c.1352G>C on transcript NM_015662.3 (MANE Select); coding-DNA position 1352, G replaced by C.
Protein change: p.Arg451Pro; replaces arginine 451 with proline.
Molecular consequence: missense variant.
Genome position (GRCh38, 1-based): chr2:27,476,700, C>G on the plus strand (G>C on the coding strand, the complement: IFT172 is on the minus strand). VCF-style: chr2-27476700-C-G. GRCh37 (hg19) VCF-style: chr2-27699567-C-G.
Other names: c.1352G>C, p.Arg451Pro (NM_001410739.1); short protein forms R451P.
Identifiers: ClinVar variation 2628730 (VCV002628730.1), dbSNP rs753504432, ClinGen allele CA346393004.